The following is an entry in ClinVar:

ClinVar aggregate classification (germline): Pathogenic (1 of 4 stars; one submission).

Conditions:
Zellweger spectrum disorders (ZS). Also called: Zellweger syndrome; Zellweger Spectrum Disorder; Zellweger Spectrum; Zellweger Spectrum Disorder (ZSD). Identifiers: Orphanet 912, MedGen C0043459, MONDO:0019609.

Submission:

Labcorp Genetics (formerly Invitae), Labcorp
Classification: Pathogenic for Zellweger spectrum disorders. Last evaluated: 2019-05-30. Review status: criteria provided, single submitter. Criteria: Invitae Variant Classification Sherloc (09022015). Collection method: clinical testing. Allele origin: germline.
Comment: This variant is not present in population databases (ExAC no frequency). For these reasons, this variant has been classified as Pathogenic. Loss-of-function variants in PEX1 are known to be pathogenic (PMID: 9398847, 16086329, 16141001, 21031596). This variant has not been reported in the literature in individuals with PEX1-related conditions. This sequence change creates a premature translational stop signal (p.Phe939*) in the PEX1 gene. It is expected to result in an absent or disrupted protein product.

Literature cited by the submitters: PubMed 9398847; PubMed 16086329; PubMed 16141001; PubMed 21031596.

NM_000466.3(PEX1):c.2816_2817del (p.Phe938_Phe939insTer)

Genes: GATAD1 (GATA zinc finger domain containing 1; plus strand), PEX1 (peroxisomal biogenesis factor 1; minus strand). Cytogenetic location: 7q21.2.
Variant type: Deletion.
Coding change: c.2816_2817del on transcript NM_000466.3 (MANE Select); coding-DNA positions 2816 to 2817, 2 bases deleted (TT; older notation c.2816_2817delTT).
Protein change: p.Phe938_Phe939insTer.
Molecular consequence: nonsense.
Genome position (GRCh38, 1-based): chr7:92,494,596-92,494,597, AA deleted on the plus strand (TT on the coding strand, the reverse complement: PEX1 is on the minus strand); deleting any 2 consecutive bases within chr7:92,494,596-92,494,598 gives the same sequence; the c. name uses the placement nearest the transcript's 3' end. VCF-style (leftmost placement, unchanged base first): chr7-92494595-CAA-C. GRCh37 (hg19) VCF-style: chr7-92123909-CAA-C.
Other names: c.2645_2646del, p.Phe881_Phe882insTer (NM_001282677.2); c.2192_2193del, p.Phe730_Phe731insTer (NM_001282678.2).
Identifiers: ClinVar variation 942086 (VCV000942086.7), dbSNP rs1791555145, ClinGen allele CA1139660133.